The following is an entry in ClinVar:

ClinVar aggregate classification (germline): Uncertain significance (1 of 4 stars; one submission).

Allele frequency attached by ClinVar (database versions not stated): gnomAD exomes below 0.00001; ExAC 0.00001; gnomAD 0.00001; 1000 Genomes Project 30x 0.00016; 1000 Genomes Project 0.00020.
gnomAD v4.1: 4 of 1,602,334 alleles (0.00025%); highest among the groups gnomAD compares: East Asian, 0.0067%; no homozygotes.

Submission:

Labcorp Genetics (formerly Invitae), Labcorp
Classification: Uncertain significance. Last evaluated: 2022-10-27. Review status: criteria provided, single submitter. Criteria: Invitae Variant Classification Sherloc (09022015). Collection method: clinical testing. Allele origin: germline.
Comment: This sequence change replaces tyrosine, which is neutral and polar, with cysteine, which is neutral and slightly polar, at codon 294 of the SLC12A6 protein (p.Tyr294Cys). This variant is present in population databases (rs542559563, gnomAD 0.01%). This variant has not been reported in the literature in individuals affected with SLC12A6-related conditions. Advanced modeling of protein sequence and biophysical properties (such as structural, functional, and spatial information, amino acid conservation, physicochemical variation, residue mobility, and thermodynamic stability) performed at Invitae indicates that this missense variant is expected to disrupt SLC12A6 protein function. In summary, the available evidence is currently insufficient to determine the role of this variant in disease. Therefore, it has been classified as a Variant of Uncertain Significance.

NM_001365088.1(SLC12A6):c.881A>G (p.Tyr294Cys)

Gene: SLC12A6 (solute carrier family 12 member 6; minus strand). Cytogenetic location: 15q14.
Variant type: single nucleotide variant.
Coding change: c.881A>G on transcript NM_001365088.1 (MANE Select); coding-DNA position 881, A replaced by G.
Protein change: p.Tyr294Cys; replaces tyrosine 294 with cysteine.
Molecular consequence: missense variant.
Genome position (GRCh38, 1-based): chr15:34,254,585, T>C on the plus strand (A>G on the coding strand, the complement: SLC12A6 is on the minus strand). VCF-style: chr15-34254585-T-C. GRCh37 (hg19) VCF-style: chr15-34546786-T-C.
Other names: c.704A>G, p.Tyr235Cys (NM_001042494.2, NM_001042495.2); c.854A>G, p.Tyr285Cys (NM_001042496.2); c.836A>G, p.Tyr279Cys (NM_001042497.2); c.728A>G, p.Tyr243Cys (NM_005135.2); c.881A>G, p.Tyr294Cys (NM_133647.2); short protein forms Y235C, Y285C, Y243C, Y279C, Y294C.
Identifiers: ClinVar variation 2152471 (VCV002152471.1), dbSNP rs542559563, ClinGen allele CA7464450.
Genomic context (GRCh38, chr15:34,254,585, plus strand): 5'-ATGGCTGCTGATTCCTTGAGTGCGTCATCACTGTGAAAGATGGCAGCTCGGGGGACGATA[T>C]AGACCTGTTAGGTAAAAATAAAGGAGAAAATTAGGTTATTTCAAAATAATTAAGTAAAAA-3'
Protein context (NP_001352017.1, residues 284-304): ILGAIEIFLV[Tyr294Cys]IVPRAAIFHS